The following is an entry in ClinVar:

ClinVar aggregate classification (germline): Pathogenic (1 of 4 stars; one submission).

Conditions:
Hypertrophic cardiomyopathy 26. Also called: Cardiomyopathy, familial hypertrophic, 26. Identifiers: Orphanet 75249, MedGen C4310749, MONDO:0014883, OMIM 617047.
Myofibrillar myopathy 5. Also called: Filaminopathy (type); FILAMINOPATHY, AUTOSOMAL DOMINANT. Identifiers: Orphanet 171445, MedGen C1836050, MONDO:0012289, OMIM 609524.
Distal myopathy with posterior leg and anterior hand involvement. Also called: WILLIAMS DISTAL MYOPATHY. Identifiers: Orphanet 63273, MedGen C3279722, MONDO:0013550, OMIM 614065.

Submission:

Labcorp Genetics (formerly Invitae), Labcorp
Classification: Pathogenic for Distal myopathy with posterior leg and anterior hand involvement; Myofibrillar myopathy 5; Hypertrophic cardiomyopathy 26. Last evaluated: 2026-01-18. Review status: criteria provided, single submitter. Criteria: Invitae Variant Classification Sherloc (09022015). Collection method: clinical testing. Allele origin: germline.
Comment: This sequence change creates a premature translational stop signal (p.Leu1072Serfs*43) in the FLNC gene. It is expected to result in an absent or disrupted protein product. Loss-of-function variants in FLNC are known to be pathogenic (PMID: 27908349). This variant is not present in population databases (gnomAD no frequency). This variant has not been reported in the literature in individuals affected with FLNC-related conditions. For these reasons, this variant has been classified as Pathogenic.

Literature cited by the submitters: PubMed 27908349.

NM_001458.5(FLNC):c.3212dup (p.Leu1072fs)

Gene: FLNC (filamin C; plus strand). Cytogenetic location: 7q32.1.
Variant type: Duplication.
Coding change: c.3212dup on transcript NM_001458.5 (MANE Select); coding-DNA position 3212, one base duplicated (G; older notation c.3212dupG).
Protein change: p.Leu1072fs; shifts the reading frame from leucine 1072.
Molecular consequence: frameshift variant.
Genome position (GRCh38, 1-based): chr7:128,844,677, G duplicated; the last of 3 consecutive G bases (chr7:128,844,675-128,844,677); duplicating any one gives the same sequence. VCF-style (leftmost placement, unchanged base first): chr7-128844674-C-CG. GRCh37 (hg19) VCF-style: chr7-128484728-C-CG.
Other names: c.3212dup, p.Leu1072fs (NM_001127487.2); short protein forms L1072fs.
Identifiers: ClinVar variation 4812583 (VCV004812583.1).